The following is an entry in ClinVar:

NM_001161352.2(KCNMA1):c.3635C>T (p.Thr1212Ile)

Gene: KCNMA1 (potassium calcium-activated channel subfamily M alpha 1; minus strand). Cytogenetic location: 10q22.3.
Variant type: single nucleotide variant.
Coding change: c.3635C>T on transcript NM_001161352.2 (MANE Select); coding-DNA position 3635, C replaced by T.
Protein change: p.Thr1212Ile; replaces threonine 1212 with isoleucine.
Molecular consequence: missense variant.
Genome position (GRCh38, 1-based): chr10:76,887,342, G>A on the plus strand (C>T on the coding strand, the complement: KCNMA1 is on the minus strand). VCF-style: chr10-76887342-G-A. GRCh37 (hg19) VCF-style: chr10-78647100-G-A.
Other names: c.3473C>T, p.Thr1158Ile (NM_001014797.3); c.3584C>T, p.Thr1195Ile (NM_001161353.2); c.3311C>T, p.Thr1104Ile (NM_001271518.2); c.3551C>T, p.Thr1184Ile (NM_001271519.2); c.3470C>T, p.Thr1157Ile (NM_001322829.2, NM_001322836.2); c.3563C>T, p.Thr1188Ile (NM_001322830.2); c.3461C>T, p.Thr1154Ile (NM_001322832.2, NM_002247.4); c.3554C>T, p.Thr1185Ile (NM_001322835.2, NM_001322837.2); and 1 more; short protein forms T1154I, T1158I, T1003I, T1188I, T1104I, T1157I, T1184I, T1185I.
Identifiers: ClinVar variation 284021 (VCV000284021.57), dbSNP rs200773083, ClinGen allele CA5567800.

ClinVar aggregate classification (germline): Uncertain significance. Review status: criteria provided, multiple submitters, no conflicts (2 of 4 stars). 4 submissions from 4 submitters: Uncertain significance (4). Last evaluated 2026-01-12.

Conditions:
Generalized epilepsy-paroxysmal dyskinesia syndrome (PNKD3). Also called: Generalized epilepsy and paroxysmal dyskinesia; Paroxysmal nonkinesigenic dyskinesia, 3, with or without generalized epilepsy. Identifiers: Orphanet 79137, MedGen C5574945, MONDO:0012276, OMIM 609446.

Allele frequency attached by ClinVar (database versions not stated): gnomAD exomes 0.00004 and 0.00010; ExAC 0.00004; gnomAD 0.00008 and 0.00007; TOPMed 0.00007.
gnomAD v4.1: 162 of 1,614,006 alleles (0.01%); highest among the groups gnomAD compares: Non-Finnish European, 0.013%; 1 homozygote.

Submissions (4):

Labcorp Genetics (formerly Invitae), Labcorp
Classification: Uncertain significance for Generalized epilepsy-paroxysmal dyskinesia syndrome. Last evaluated: 2026-01-12. Review status: criteria provided, single submitter. Criteria: Invitae Variant Classification Sherloc (09022015). Collection method: clinical testing. Allele origin: germline.
Comment: This sequence change replaces threonine, which is neutral and polar, with isoleucine, which is neutral and non-polar, at codon 1154 of the KCNMA1 protein (p.Thr1154Ile). This variant is present in population databases (rs200773083, gnomAD 0.01%). This missense change has been observed in individual(s) with KCNMA1-related conditions (PMID: 34224328). ClinVar contains an entry for this variant (Variation ID: 284021). An algorithm developed to predict the effect of missense changes on protein structure and function (PolyPhen-2) suggests that this variant is likely to be disruptive. In summary, the available evidence is currently insufficient to determine the role of this variant in disease. Therefore, it has been classified as a Variant of Uncertain Significance.

GeneDx
Classification: Uncertain significance. Last evaluated: 2024-05-20. Review status: criteria provided, single submitter. Criteria: GeneDx Variant Classification Process June 2021. Collection method: clinical testing. Allele origin: germline. Affected: yes.
Comment: In silico analysis, which includes protein predictors and evolutionary conservation, supports that this variant does not alter protein structure/function; Has not been previously published in association with a KCNMA1-related disorder to our knowledge; This variant is associated with the following publications: (PMID: 37546746)

CeGaT Center for Human Genetics Tuebingen
Classification: Uncertain significance. Last evaluated: 2024-02-01. Review status: criteria provided, single submitter. Criteria: CeGaT Center For Human Genetics Tuebingen Variant Classification Criteria Version 2. Collection method: clinical testing. Allele origin: germline. Affected: yes. Observed: 3 variant alleles.

Eurofins Ntd Llc (ga)
Classification: Uncertain significance. Last evaluated: 2015-10-20. Review status: criteria provided, single submitter. Criteria: EGL Classification Definitions 2015. Collection method: clinical testing. Allele origin: germline. Observed: 2 variant alleles, 2 heterozygotes.

Literature cited by the submitters: PubMed 34224328 (cited by Labcorp Genetics (formerly Invitae), Labcorp).